The following is an entry in ClinVar:

ClinVar aggregate classification (germline): Likely pathogenic (1 of 4 stars; one submission).

Conditions:
Developmental and epileptic encephalopathy, 11 (DEE11). Also called: Early infantile epileptic encephalopathy 11. Identifiers: Orphanet 1934, MedGen C3150987, MONDO:0013388, OMIM 613721.
Seizures, benign familial infantile, 3 (BFIS3). Also called: Familial neonatal seizures; CONVULSIONS, BENIGN FAMILIAL INFANTILE, 3. Identifiers: Orphanet 140927, Orphanet 306, MedGen C1843140, MONDO:0011904, OMIM 607745.
Episodic ataxia, type 9. Identifiers: MedGen C5394520, MONDO:0030064, OMIM 618924.

Submission:

Juno Genomics, Hangzhou Juno Genomics, Inc
Classification: Likely pathogenic for Developmental and epileptic encephalopathy, 11; Episodic ataxia, type 9; Seizures, benign familial infantile, 3. Review status: criteria provided, single submitter. Criteria: ACMG Guidelines, 2015. Collection method: clinical testing. Allele origin: germline. Affected: yes.
Comment: Absent from controls (or at extremely low frequency if recessive) in Genome Aggregation Database, Exome Sequencing Project, 1000 Genomes Project, or Exome Aggregation Consortium.;The prevalence of the variant in affected individuals is significantly increased compared to the prevalence in controls.;Assumed de novo, but without confirmation of paternity and maternity.;Missense variant in a gene that has a low rate of benign missense variation and where missense variants are a common mechanism of disease.;Multiple lines of computational evidence support a deleterious effect on the gene or gene product (conservation, evolutionary, splicing impact, etc).;Patient's phenotype or family history is highly specific for a disease with a single genetic etiology.

NM_001040142.2(SCN2A):c.5616G>A (p.Met1872Ile)

Gene: SCN2A (sodium voltage-gated channel alpha subunit 2; plus strand). Cytogenetic location: 2q24.3.
Variant type: single nucleotide variant.
Coding change: c.5616G>A on transcript NM_001040142.2 (MANE Select); coding-DNA position 5616, G replaced by A.
Protein change: p.Met1872Ile; replaces methionine 1872 with isoleucine.
Molecular consequence: missense variant.
Genome position (GRCh38, 1-based): chr2:165,389,422, G>A. VCF-style: chr2-165389422-G-A. GRCh37 (hg19) VCF-style: chr2-166245932-G-A.
Other names: c.5616G>A, p.Met1872Ile (NM_001040143.2, NM_001371246.1, NM_001371247.1 and 1 more transcripts); short protein forms M1872I.
Identifiers: ClinVar variation 3382361 (VCV003382361.2).